The following is an entry in ClinVar:

ClinVar aggregate classification (germline): Uncertain significance. Review status: criteria provided, multiple submitters, no conflicts (2 of 4 stars). 3 submissions from 3 submitters: Uncertain significance (3). Last evaluated 2024-12-16.

gnomAD v4.1: 13 of 1,564,890 alleles (0.00083%); highest among the groups gnomAD compares: Admixed American, 0.0019%; no homozygotes.

Submissions (3):

Ambry Genetics
Classification: Uncertain significance. Last evaluated: 2024-12-16. Review status: criteria provided, single submitter. Criteria: Ambry Variant Classification Scheme 2023. Collection method: clinical testing. Allele origin: germline.
Comment: The p.P12L variant (also known as c.35C>T), located in coding exon 1 of the SRP72 gene, results from a C to T substitution at nucleotide position 35. The proline at codon 12 is replaced by leucine, an amino acid with similar properties. This amino acid position is conserved. In addition, this alteration is predicted to be tolerated by in silico analysis. Based on the available evidence, the clinical significance of this variant remains unclear.

Labcorp Genetics (formerly Invitae), Labcorp
Classification: Uncertain significance. Last evaluated: 2024-08-05. Review status: criteria provided, single submitter. Criteria: Invitae Variant Classification Sherloc (09022015). Collection method: clinical testing. Allele origin: germline.
Comment: This sequence change replaces proline, which is neutral and non-polar, with leucine, which is neutral and non-polar, at codon 12 of the SRP72 protein (p.Pro12Leu). This variant is not present in population databases (gnomAD no frequency). This variant has not been reported in the literature in individuals affected with SRP72-related conditions. ClinVar contains an entry for this variant (Variation ID: 1354699). Advanced modeling of protein sequence and biophysical properties (such as structural, functional, and spatial information, amino acid conservation, physicochemical variation, residue mobility, and thermodynamic stability) performed at Invitae indicates that this missense variant is not expected to disrupt SRP72 protein function with a negative predictive value of 80%. In summary, the available evidence is currently insufficient to determine the role of this variant in disease. Therefore, it has been classified as a Variant of Uncertain Significance.

GeneDx
Classification: Uncertain significance. Last evaluated: 2023-02-10. Review status: criteria provided, single submitter. Criteria: GeneDx Variant Classification Process June 2021. Collection method: clinical testing. Allele origin: germline. Affected: yes.
Comment: Not observed at significant frequency in large population cohorts (gnomAD); In silico analysis supports that this missense variant has a deleterious effect on protein structure/function; Has not been previously published as pathogenic or benign to our knowledge; This variant is associated with the following publications: (PMID: 27899666, 28369529)

NM_006947.4(SRP72):c.35C>T (p.Pro12Leu)

Genes: SRP72 (signal recognition particle 72; plus strand), LOC129992625 (ATAC-STARR-seq lymphoblastoid active region 21580; plus strand). Cytogenetic location: 4q12.
Variant type: single nucleotide variant.
Coding change: c.35C>T on transcript NM_006947.4 (MANE Select); coding-DNA position 35, C replaced by T.
Protein change: p.Pro12Leu; replaces proline 12 with leucine.
Molecular consequence: missense variant. On other transcripts: non-coding transcript variant (1).
Genome position (GRCh38, 1-based): chr4:56,467,670, C>T. VCF-style: chr4-56467670-C-T. GRCh37 (hg19) VCF-style: chr4-57333836-C-T.
Other names: c.35C>T, p.Pro12Leu (NM_001267722.2); c.35C>T (NM_006947.3); short protein forms P12L.
Identifiers: ClinVar variation 1354699 (VCV001354699.7), dbSNP rs1027583156, ClinGen allele CA356995560.